The following is an entry in ClinVar:

NM_001163435.3(TBCK):c.2642A>G (p.Lys881Arg)

Gene: TBCK (TBC1 domain containing kinase; minus strand). Cytogenetic location: 4q24.
Variant type: single nucleotide variant.
Coding change: c.2642A>G on transcript NM_001163435.3 (MANE Select); coding-DNA position 2642, A replaced by G.
Protein change: p.Lys881Arg; replaces lysine 881 with arginine.
Molecular consequence: missense variant.
Genome position (GRCh38, 1-based): chr4:106,046,610, T>C on the plus strand (A>G on the coding strand, the complement: TBCK is on the minus strand). VCF-style: chr4-106046610-T-C. GRCh37 (hg19) VCF-style: chr4-106967767-T-C.
Other names: c.2642A>G, p.Lys881Arg (NM_001163436.4); c.2525A>G, p.Lys842Arg (NM_001163437.3); c.2126A>G, p.Lys709Arg (NM_001290768.2); c.2453A>G, p.Lys818Arg (NM_033115.5); short protein forms K818R, K842R, K881R, K709R.
Identifiers: ClinVar variation 2104235 (VCV002104235.4), dbSNP rs2476915498, ClinGen allele CA357971288.

ClinVar aggregate classification (germline): Uncertain significance (1 of 4 stars; one submission).

Submission:

Labcorp Genetics (formerly Invitae), Labcorp
Classification: Uncertain significance. Last evaluated: 2022-02-28. Review status: criteria provided, single submitter. Criteria: Invitae Variant Classification Sherloc (09022015). Collection method: clinical testing. Allele origin: germline.
Comment: In summary, the available evidence is currently insufficient to determine the role of this variant in disease. Therefore, it has been classified as a Variant of Uncertain Significance. Algorithms developed to predict the effect of missense changes on protein structure and function (SIFT, PolyPhen-2, Align-GVGD) all suggest that this variant is likely to be tolerated. This variant has not been reported in the literature in individuals affected with TBCK-related conditions. This variant is not present in population databases (gnomAD no frequency). This sequence change replaces lysine, which is basic and polar, with arginine, which is basic and polar, at codon 881 of the TBCK protein (p.Lys881Arg).